The following is an entry in ClinVar:

NM_001904.4(CTNNB1):c.1982G>C (p.Arg661Pro)

Gene: CTNNB1 (catenin beta 1; plus strand). Cytogenetic location: 3p22.1.
Variant type: single nucleotide variant.
Coding change: c.1982G>C on transcript NM_001904.4 (MANE Select); coding-DNA position 1982, G replaced by C.
Protein change: p.Arg661Pro; replaces arginine 661 with proline.
Molecular consequence: missense variant.
Genome position (GRCh38, 1-based): chr3:41,236,615, G>C. VCF-style: chr3-41236615-G-C. GRCh37 (hg19) VCF-style: chr3-41278106-G-C.
Other names: c.1982G>C, p.Arg661Pro (NM_001098209.2, NM_001098210.2); c.1961G>C, p.Arg654Pro (NM_001330729.2); short protein forms R654P, R661P.
Identifiers: ClinVar variation 1333222 (VCV001333222.5), dbSNP rs2125647004, ClinGen allele CA352236483.
Genomic context (GRCh38, chr3:41,236,615, plus strand): 5'-TTCCTCAAGGGCCTTTTTCTCCTTGTCTCTTAGCGACATATGCAGCTGCTGTTTTGTTCC[G>C]AATGTCTGAGGACAAGCCACAAGATTACAAGAAACGGCTTTCAGTTGAGCTGACCAGCTC-3'
Protein context (NP_001895.1, residues 651-671): VATYAAAVLF[Arg661Pro]MSEDKPQDYK

ClinVar aggregate classification (germline): Uncertain significance. Review status: criteria provided, multiple submitters, no conflicts (2 of 4 stars). 2 submissions from 2 submitters: Uncertain significance (2). Last evaluated 2024-02-12.
ClinVar aggregate classification (somatic clinical impact): Tier II - Potential (1 of 4 stars; one submission).

Conditions:
Severe intellectual disability-progressive spastic diplegia syndrome (NEDSDV). Also called: NEURODEVELOPMENTAL DISORDER WITH SPASTIC DIPLEGIA AND VISUAL DEFECTS; CTNNB1 Neurodevelopmental Disorder. Identifiers: Orphanet 404473, MedGen C3554449, MONDO:0014035, OMIM 615075.
Embryonal rhabdomyosarcoma (ERMS). Also called: Botryoid rhabdomyosarcoma (type of ERMS); Spindle cell rhabdomyosarcomas (type of ERMS). Identifiers: Orphanet 99757, MedGen C0206656, MONDO:0009993, HP:0006743.

Submissions (3):

Labcorp Genetics (formerly Invitae), Labcorp
Classification: Uncertain significance. Last evaluated: 2024-02-12. Review status: criteria provided, single submitter. Criteria: Invitae Variant Classification Sherloc (09022015). Collection method: clinical testing. Allele origin: germline.
Comment: This sequence change replaces arginine, which is basic and polar, with proline, which is neutral and non-polar, at codon 661 of the CTNNB1 protein (p.Arg661Pro). This variant is not present in population databases (gnomAD no frequency). This variant has not been reported in the literature in individuals affected with CTNNB1-related conditions. ClinVar contains an entry for this variant (Variation ID: 1333222). Advanced modeling of protein sequence and biophysical properties (such as structural, functional, and spatial information, amino acid conservation, physicochemical variation, residue mobility, and thermodynamic stability) performed at Invitae indicates that this missense variant is expected to disrupt CTNNB1 protein function with a positive predictive value of 80%. In summary, the available evidence is currently insufficient to determine the role of this variant in disease. Therefore, it has been classified as a Variant of Uncertain Significance.

Institute for Genomic Medicine (IGM) Clinical Laboratory, Nationwide Children's Hospital
Classification: Tier II - Potential for Embryonal rhabdomyosarcoma. Assertion type: diagnostic. Clinical significance: supports diagnosis. Last evaluated: 2023-05-30. Review status: criteria provided, single submitter. Criteria: AMP/ASCO/CAP Guidelines, 2017. Collection method: clinical testing. Allele origin: somatic. Affected: yes.
Comment: Variant has Tier II (potential) clinical significance as a diagnostic inclusion criterion in embryonal rhabdomyosarcoma, based on the following evidence: 1) Appears in one or more well-established professional guidelines (e.g., World Health Organization [WHO]; National Comprehensive Cancer Network [NCCN]) as providing diagnostic, prognostic, or therapeutic information. 2) Diagnostic significance based on multiple small studies (Evidence Level C; PMIDs: 30617281, 24436047, 34166060, 22142829).

3billion
Classification: Uncertain significance for Severe intellectual disability-progressive spastic diplegia syndrome. Last evaluated: 2022-01-03. Review status: criteria provided, single submitter. Criteria: ACMG Guidelines, 2015. Collection method: clinical testing. Allele origin: germline. Affected: yes. Observed: 1 heterozygote.
Comment: The variant is not observed in the gnomAD v2.1.1 dataset (PM2_M). In silico tool predictions suggest damaging effect of the variant on gene or gene product (3CNET: 0.854, PP3_P). A missense variant is a common mechanism associated with Neurodevelopmental disorder with spastic diplegia and visual defects (PP2_P). Therefore, this variant is classified as uncertain significance according to the recommendation of ACMG/AMP guideline.

Literature cited by the submitters: PubMed 30617281 (cited by Institute for Genomic Medicine (IGM) Clinical Laboratory, Nationwide Children's Hospital); PubMed 24436047 (cited by Institute for Genomic Medicine (IGM) Clinical Laboratory, Nationwide Children's Hospital); PubMed 34166060 (cited by Institute for Genomic Medicine (IGM) Clinical Laboratory, Nationwide Children's Hospital); PubMed 22142829 (cited by Institute for Genomic Medicine (IGM) Clinical Laboratory, Nationwide Children's Hospital).